The following is an entry in ClinVar:

NM_001099287.2(NIPAL4):c.4G>T (p.Glu2Ter)

Gene: NIPAL4 (NIPA like domain containing 4; plus strand). Cytogenetic location: 5q33.3.
Variant type: single nucleotide variant.
Coding change: c.4G>T on transcript NM_001099287.2 (MANE Select); coding-DNA position 4, G replaced by T.
Protein change: p.Glu2Ter; replaces glutamic acid 2 with a stop codon.
Molecular consequence: nonsense.
Genome position (GRCh38, 1-based): chr5:157,460,324, G>T. VCF-style: chr5-157460324-G-T. GRCh37 (hg19) VCF-style: chr5-156887332-G-T.
Other names: c.4G>T, p.Glu2Ter (NM_001172292.2); short protein forms E2*, E64*.
Identifiers: ClinVar variation 1722366 (VCV001722366.1), dbSNP rs1258173126, ClinGen allele CA361979289.

ClinVar aggregate classification (germline): Likely pathogenic (1 of 4 stars; one submission).

Conditions:
Lamellar ichthyosis. Identifiers: Orphanet 313, MedGen C5848247, MONDO:0017778.

Allele frequency attached by ClinVar (database versions not stated): gnomAD 0.00001.

Submission:

Women's Health and Genetics/Laboratory Corporation of America, LabCorp
Classification: Likely pathogenic for Lamellar ichthyosis. Last evaluated: 2022-09-16. Review status: criteria provided, single submitter. Criteria: LabCorp Variant Classification Summary - May 2015. Collection method: clinical testing. Allele origin: germline.
Comment: Variant summary: NIPAL4 c.190G>T (p.Glu64X) results in a premature termination codon, predicted to cause a truncation of the encoded protein or absence of the protein due to nonsense mediated decay, which are commonly known mechanisms for disease. Truncations downstream of this position have been classified as pathogenic in ClinVar. The variant was absent in 142044 control chromosomes (gnomAD). To our knowledge, no occurrence of c.190G>T in individuals affected with Lamellar Ichthyosis and no experimental evidence demonstrating its impact on protein function have been reported. No clinical diagnostic laboratories have submitted clinical-significance assessments for this variant to ClinVar after 2014. Based on the evidence outlined above, the variant was classified as likely pathogenic.